The following is an entry in ClinVar:

NM_173651.4(FSIP2):c.4794C>T (p.Asn1598=)

Genes: FSIP2 (fibrous sheath interacting protein 2; plus strand), FSIP2-AS1 (FSIP2 antisense RNA 1; minus strand). Cytogenetic location: 2q32.1.
Variant type: single nucleotide variant.
Coding change: c.4794C>T on transcript NM_173651.4 (MANE Select); coding-DNA position 4794, C replaced by T.
Protein change: p.Asn1598=; no amino-acid change (asparagine 1598 retained).
Molecular consequence: synonymous variant.
Genome position (GRCh38, 1-based): chr2:185,791,930, C>T. VCF-style: chr2-185791930-C-T. GRCh37 (hg19) VCF-style: chr2-186656657-C-T.
Identifiers: ClinVar variation 3059914 (VCV003059914.2), dbSNP rs10173807, ClinGen allele CA2016663.

ClinVar aggregate classification (germline): Benign (0 of 4 stars; one submission).

Conditions:
FSIP2-related disorder. Also called: FSIP2-related condition.

Allele frequency attached by ClinVar (database versions not stated): 1000 Genomes Project 30x 0.62961; 1000 Genomes Project 0.63039; TOPMed 0.64485; ExAC 0.67743.

Submission:

PreventionGenetics, part of Exact Sciences
Classification: Benign for FSIP2-related condition. Last evaluated: 2019-10-17. Review status: no assertion criteria provided. Collection method: clinical testing. Allele origin: germline.
Comment: This variant is classified as benign based on ACMG/AMP sequence variant interpretation guidelines (Richards et al. 2015 PMID: 25741868, with internal and published modifications).